The following is an entry in ClinVar:

GRCh38/hg38 22q11.23(chr22:23369950-24669609)x3

Genes: ADORA2A (adenosine A2a receptor; plus strand), ADORA2A-AS1 (ADORA2A antisense RNA 1; minus strand), C22orf15 (chromosome 22 open reading frame 15; plus strand), CABIN1 (calcineurin binding protein 1; plus strand), CHCHD10 (coiled-coil-helix-coiled-coil-helix domain containing 10; minus strand) and 73 more. Cytogenetic location: 22q11.23.
Variant type: copy number gain.
Change: copy number 3 (three copies instead of two) of chr22:23,369,950-24,669,609 (1.30 Mb, GRCh38 coordinates, 1-based), cytogenetic band 22q11.23.
Identifiers: ClinVar variation 59343 (VCV000059343.2).

ClinVar aggregate classification (germline): Uncertain significance (1 of 4 stars; one submission).

Submission:

ISCA Site 6
Classification: Uncertain significance. Last evaluated: 2011-08-12. Review status: criteria provided, single submitter. Criteria: Kaminsky et al. (Genet Med. 2011). Collection method: clinical testing. Allele origin: unknown. Affected: yes. Observed: 1 variant allele.
Comment: Copy number variation identified through the course of routine clinical cytogenomic testing in postnatal populations. Clinical assertions have been curated as described in Kaminsky et al. 2011.